The following is an entry in ClinVar:

NM_020964.3(EPG5):c.4051G>T (p.Glu1351Ter)

Gene: EPG5 (ectopic P-granules 5 autophagy tethering factor; minus strand). Cytogenetic location: 18q21.1.
Variant type: single nucleotide variant.
Coding change: c.4051G>T on transcript NM_020964.3 (MANE Select); coding-DNA position 4051, G replaced by T.
Protein change: p.Glu1351Ter; replaces glutamic acid 1351 with a stop codon.
Molecular consequence: nonsense.
Genome position (GRCh38, 1-based): chr18:45,910,675, C>A on the plus strand (G>T on the coding strand, the complement: EPG5 is on the minus strand). VCF-style: chr18-45910675-C-A. GRCh37 (hg19) VCF-style: chr18-43490640-C-A.
Other names: c.4051G>T, p.Glu1351Ter (NM_001410858.1, NM_001410859.1); short protein forms E1351*.
Identifiers: ClinVar variation 2755516 (VCV002755516.3), dbSNP rs2511777479, ClinGen allele CA402340182.

ClinVar aggregate classification (germline): Pathogenic (1 of 4 stars; one submission).

Conditions:
Vici syndrome (VICIS). Identifiers: Orphanet 1493, MedGen C1855772, MONDO:0009452, OMIM 242840.

Submission:

Labcorp Genetics (formerly Invitae), Labcorp
Classification: Pathogenic for Vici syndrome. Last evaluated: 2023-08-28. Review status: criteria provided, single submitter. Criteria: Invitae Variant Classification Sherloc (09022015). Collection method: clinical testing. Allele origin: germline.
Comment: For these reasons, this variant has been classified as Pathogenic. This variant has not been reported in the literature in individuals affected with EPG5-related conditions. This variant is not present in population databases (gnomAD no frequency). This sequence change creates a premature translational stop signal (p.Glu1351*) in the EPG5 gene. It is expected to result in an absent or disrupted protein product. Loss-of-function variants in EPG5 are known to be pathogenic (PMID: 23222957, 23674064).

Literature cited by the submitters: PubMed 23222957; PubMed 23674064.